The following is an entry in ClinVar:

NM_003072.5(SMARCA4):c.73G>A (p.Gly25Arg)

Gene: SMARCA4 (SWI/SNF related BAF chromatin remodeling complex subunit ATPase 4; plus strand). Cytogenetic location: 19p13.2.
Variant type: single nucleotide variant.
Coding change: c.73G>A on transcript NM_003072.5 (MANE Select); coding-DNA position 73, G replaced by A.
Protein change: p.Gly25Arg; replaces glycine 25 with arginine.
Molecular consequence: missense variant. On other transcripts: non-coding transcript variant (1).
Genome position (GRCh38, 1-based): chr19:10,984,224, G>A. VCF-style: chr19-10984224-G-A. GRCh37 (hg19) VCF-style: chr19-11094900-G-A.
Other names: c.73G>A, p.Gly25Arg (NM_001128844.3, NM_001128845.2, NM_001128846.2 and 5 more transcripts); short protein forms G25R.
Identifiers: ClinVar variation 575978 (VCV000575978.10), dbSNP rs1568416887, ClinGen allele CA404054067.

ClinVar aggregate classification (germline): Uncertain significance. Review status: criteria provided, multiple submitters, no conflicts (2 of 4 stars). 2 submissions from 2 submitters: Uncertain significance (2). Last evaluated 2022-11-23.

Conditions:
Rhabdoid tumor predisposition syndrome 2 (RTPS2). Identifiers: Orphanet 231108, Orphanet 69077, MedGen C2750074, MONDO:0013224, OMIM 613325.
Hereditary cancer-predisposing syndrome. Also called: Tumor predisposition; Hereditary neoplastic syndrome; Hereditary Cancer Syndrome; Neoplastic Syndromes, Hereditary. Identifiers: Orphanet 140162, MedGen C0027672, MeSH D009386, MONDO:0015356.

Submissions (2):

Ambry Genetics
Classification: Uncertain significance for Hereditary cancer-predisposing syndrome. Last evaluated: 2022-11-23. Review status: criteria provided, single submitter. Criteria: Ambry Variant Classification Scheme 2023. Collection method: clinical testing. Allele origin: germline.
Comment: The p.G25R variant (also known as c.73G>A), located in coding exon 1 of the SMARCA4 gene, results from a G to A substitution at nucleotide position 73. The glycine at codon 25 is replaced by arginine, an amino acid with dissimilar properties. This amino acid position is highly conserved in available vertebrate species. In addition, the in silico prediction for this alteration is inconclusive. Missense and in-frame variants in SMARCA4 are known to cause neurodevelopmental disorders; however, such associations with rhabdoid tumor predisposition syndrome including small cell carcinoma of the ovary-hypercalcemic type (SCCOHT) are exceedingly rare (Kosho T et al. Am J Med Genet C Semin Med Genet. 2014 Sep;166C(3):262-75; Jelinic P et al. Nat Genet. 2014 May;46(5):424-6). Since supporting evidence is limited at this time, the clinical significance of this alteration remains unclear.

Labcorp Genetics (formerly Invitae), Labcorp
Classification: Uncertain significance for Rhabdoid tumor predisposition syndrome 2. Last evaluated: 2022-07-19. Review status: criteria provided, single submitter. Criteria: Invitae Variant Classification Sherloc (09022015). Collection method: clinical testing. Allele origin: germline.
Comment: Algorithms developed to predict the effect of missense changes on protein structure and function are either unavailable or do not agree on the potential impact of this missense change (SIFT: "Deleterious"; PolyPhen-2: "Not Available"; Align-GVGD: "Class C65"). In summary, the available evidence is currently insufficient to determine the role of this variant in disease. Therefore, it has been classified as a Variant of Uncertain Significance. Algorithms developed to predict the effect of sequence changes on RNA splicing suggest that this variant may create or strengthen a splice site. ClinVar contains an entry for this variant (Variation ID: 575978). This variant has not been reported in the literature in individuals affected with SMARCA4-related conditions. This variant is not present in population databases (gnomAD no frequency). This sequence change replaces glycine, which is neutral and non-polar, with arginine, which is basic and polar, at codon 25 of the SMARCA4 protein (p.Gly25Arg).